The following is an entry in ClinVar:

NM_001099922.3(ALG13):c.384-5C>T

Gene: ALG13 (ALG13 UDP-N-acetylglucosaminyltransferase subunit; plus strand). Cytogenetic location: Xq23.
Variant type: single nucleotide variant.
Coding change: c.384-5C>T on transcript NM_001099922.3 (MANE Select); 5 bases into the intron before coding-DNA position 384, C replaced by T.
Molecular consequence: intron variant.
Genome position (GRCh38, 1-based): chrX:111,708,022, C>T. VCF-style: chrX-111708022-C-T. GRCh37 (hg19) VCF-style: chrX-110951250-C-T.
Other names: c.72-5C>T (NM_001257237.2, NM_001324293.1, NM_001257234.2 and 1 more transcripts); c.150-5C>T (NM_001257231.2); c.384-5C>T (NM_001324292.2).
Identifiers: ClinVar variation 412616 (VCV000412616.20), dbSNP rs763318921, ClinGen allele CA10493528.
Genomic context (GRCh38, chrX:111,708,022, plus strand): 5'-ATGTCTCCTGCTTAGTCTGAGTTCCCTATTCCTAGGAGGATTGGCTCTTCCTCTTCTTTT[C>T]ACAGGGTCCTGACTTGTCCTGGGCAAGCCAAGTCCATTGCTTCTGCTCCTGGGAAGTGCC-3'

ClinVar aggregate classification (germline): Benign/Likely benign. Review status: criteria provided, multiple submitters, no conflicts (2 of 4 stars). 5 submissions from 5 submitters: Benign (2); Likely benign (2). 1 of the submissions does not count toward it. Last evaluated 2025-12-16.

Conditions:
ALG13-related disorder. Also called: ALG13-related condition.
Inborn genetic diseases. Identifiers: MedGen C0950123, MeSH D030342.
Developmental and epileptic encephalopathy, 36 (DEE36). Also called: Congenital disorder of glycosylation, type Is; Epileptic encephalopathy, early infantile, 36; ALG13-CDG. Identifiers: Orphanet 324422, MedGen C4317295, MONDO:0010472, OMIM 300884.

Allele frequency attached by ClinVar (database versions not stated): ExAC 0.00036; 1000 Genomes Project 30x 0.00042; 1000 Genomes Project 0.00053; gnomAD 0.00008 and 0.00010; TOPMed 0.00011; gnomAD exomes 0.00032 and 0.00005.
gnomAD v4.1: 85 of 1,194,243 alleles (0.0071%); highest among the groups gnomAD compares: East Asian, 0.18%; no homozygotes.

Submissions (5):

Labcorp Genetics (formerly Invitae), Labcorp
Classification: Benign for Developmental and epileptic encephalopathy, 36. Last evaluated: 2025-12-16. Review status: criteria provided, single submitter. Criteria: Invitae Variant Classification Sherloc (09022015). Collection method: clinical testing. Allele origin: germline.

Genome-Nilou Lab
Classification: Benign for Developmental and epileptic encephalopathy, 36. Last evaluated: 2021-12-05. Review status: criteria provided, single submitter. Criteria: ACMG Guidelines, 2015. Collection method: clinical testing. Allele origin: germline. Affected: no.

GeneDx
Classification: Likely benign. Last evaluated: 2020-04-20. Review status: criteria provided, single submitter. Criteria: GeneDx Variant Classification Process June 2021. Collection method: clinical testing. Allele origin: germline. Affected: yes.
Comment: This variant is associated with the following publications: (PMID: 29314583)

Ambry Genetics
Classification: Likely benign for Inborn genetic diseases. Last evaluated: 2017-12-15. Review status: criteria provided, single submitter. Criteria: Ambry Variant Classification Scheme 2023. Collection method: clinical testing. Allele origin: germline.

PreventionGenetics, part of Exact Sciences
Classification: Likely benign for ALG13-related condition. Last evaluated: 2019-10-21. Review status: no assertion criteria provided. Collection method: clinical testing. Allele origin: germline. Not counted in ClinVar's aggregate classification.
Comment: This variant is classified as likely benign based on ACMG/AMP sequence variant interpretation guidelines (Richards et al. 2015 PMID: 25741868, with internal and published modifications).